The following is an entry in ClinVar:

NM_025144.4(ALPK1):c.1804G>C (p.Val602Leu)

Gene: ALPK1 (alpha kinase 1; plus strand). Cytogenetic location: 4q25.
Variant type: single nucleotide variant.
Coding change: c.1804G>C on transcript NM_025144.4 (MANE Select); coding-DNA position 1804, G replaced by C.
Protein change: p.Val602Leu; replaces valine 602 with leucine.
Molecular consequence: missense variant.
Genome position (GRCh38, 1-based): chr4:112,431,351, G>C. VCF-style: chr4-112431351-G-C. GRCh37 (hg19) VCF-style: chr4-113352507-G-C.
Other names: c.1804G>C, p.Val602Leu (NM_001102406.2); c.1570G>C, p.Val524Leu (NM_001253884.2); short protein forms V602L, V524L.
Identifiers: ClinVar variation 2122149 (VCV002122149.4), dbSNP rs147228808, ClinGen allele CA357896155.

ClinVar aggregate classification (germline): Uncertain significance (1 of 4 stars; one submission).

gnomAD v4.1: 1 of 1,614,190 alleles (0.000062%); highest among the groups gnomAD compares: African/African-American, 0.0013%; no homozygotes.

Submission:

Labcorp Genetics (formerly Invitae), Labcorp
Classification: Uncertain significance. Last evaluated: 2024-11-18. Review status: criteria provided, single submitter. Criteria: Invitae Variant Classification Sherloc (09022015). Collection method: clinical testing. Allele origin: germline.
Comment: This sequence change replaces valine, which is neutral and non-polar, with leucine, which is neutral and non-polar, at codon 602 of the ALPK1 protein (p.Val602Leu). This variant is present in population databases (no rsID available, gnomAD 0.007%). This variant has not been reported in the literature in individuals affected with ALPK1-related conditions. ClinVar contains an entry for this variant (Variation ID: 2122149). Invitae Evidence Modeling of protein sequence and biophysical properties (such as structural, functional, and spatial information, amino acid conservation, physicochemical variation, residue mobility, and thermodynamic stability) indicates that this missense variant is not expected to disrupt ALPK1 protein function with a negative predictive value of 80%. In summary, the available evidence is currently insufficient to determine the role of this variant in disease. Therefore, it has been classified as a Variant of Uncertain Significance.